The following is an entry in ClinVar:

NM_001286.5(CLCN6):c.2401G>T (p.Val801Leu)

Gene: CLCN6 (Cl-/H+ antiporter 6; plus strand). Cytogenetic location: 1p36.22.
Variant type: single nucleotide variant.
Coding change: c.2401G>T on transcript NM_001286.5 (MANE Select); coding-DNA position 2401, G replaced by T.
Protein change: p.Val801Leu; replaces valine 801 with leucine.
Molecular consequence: missense variant. On other transcripts: non-coding transcript variant (1).
Genome position (GRCh38, 1-based): chr1:11,838,440, G>T. VCF-style: chr1-11838440-G-T. GRCh37 (hg19) VCF-style: chr1-11898497-G-T.
Other names: c.2335G>T, p.Val779Leu (NM_001256959.2); short protein forms V779L, V801L.
Identifiers: ClinVar variation 4803191 (VCV004803191.1).

ClinVar aggregate classification (germline): Uncertain significance (1 of 4 stars; one submission).

Submission:

Labcorp Genetics (formerly Invitae), Labcorp
Classification: Uncertain significance. Last evaluated: 2025-07-30. Review status: criteria provided, single submitter. Criteria: Invitae Variant Classification Sherloc (09022015). Collection method: clinical testing. Allele origin: germline.
Comment: This sequence change replaces valine, which is neutral and non-polar, with leucine, which is neutral and non-polar, at codon 801 of the CLCN6 protein (p.Val801Leu). This variant is not present in population databases (gnomAD no frequency). This variant has not been reported in the literature in individuals affected with CLCN6-related conditions. An algorithm developed to predict the effect of missense changes on protein structure and function (PolyPhen-2) suggests that this variant is likely to be tolerated. In summary, the available evidence is currently insufficient to determine the role of this variant in disease. Therefore, it has been classified as a Variant of Uncertain Significance.